The following is an entry in ClinVar:

ClinVar aggregate classification (germline): Likely pathogenic (1 of 4 stars; one submission).

Conditions:
Dilated cardiomyopathy 1G (CMD1G). Identifiers: Orphanet 154, MedGen C1858763, MONDO:0011400, OMIM 604145.
Autosomal recessive limb-girdle muscular dystrophy type 2J (LGMDR10). Also called: Limb-girdle muscular dystrophy, type 2J; MUSCULAR DYSTROPHY, LIMB-GIRDLE, AUTOSOMAL RECESSIVE 10. Identifiers: Orphanet 140922, MedGen C1837342, MONDO:0012127, OMIM 608807.

Submission:

Labcorp Genetics (formerly Invitae), Labcorp
Classification: Likely pathogenic for Dilated cardiomyopathy 1G; Autosomal recessive limb-girdle muscular dystrophy type 2J. Last evaluated: 2024-12-22. Review status: criteria provided, single submitter. Criteria: Invitae Variant Classification Sherloc (09022015). Collection method: clinical testing. Allele origin: germline.
Comment: This sequence change creates a premature translational stop signal (p.Trp31037*) in the TTN gene. While this is not anticipated to result in nonsense mediated decay, it is expected to create a truncated TTN protein. This variant is not present in population databases (gnomAD no frequency). This premature translational stop signal has been observed in individual(s) with distal arthrogryposis (PMID: 33060286). This variant is located in the A band of TTN (PMID: 25589632). Truncating variants in this region are significantly overrepresented in patients affected with dilated cardiomyopathy (PMID: 25589632). Truncating variants in this region have also been reported in individuals affected with autosomal recessive centronuclear myopathy (PMID: 23975875). In summary, the currently available evidence indicates that the variant is pathogenic, but additional data are needed to prove that conclusively. Therefore, this variant has been classified as Likely Pathogenic.

Literature cited by the submitters: PubMed 33060286; PubMed 25589632; PubMed 23975875.

NM_001267550.2(TTN):c.93110G>A (p.Trp31037Ter)

Genes: TTN (titin; minus strand), TTN-AS1 (TTN antisense RNA 1; plus strand). Cytogenetic location: 2q31.2.
Variant type: single nucleotide variant.
Coding change: c.93110G>A on transcript NM_001267550.2 (MANE Select); coding-DNA position 93110, G replaced by A.
Protein change: p.Trp31037Ter; replaces tryptophan 31037 with a stop codon.
Molecular consequence: nonsense.
Genome position (GRCh38, 1-based): chr2:178,548,516, C>T on the plus strand (G>A on the coding strand, the complement: TTN is on the minus strand). VCF-style: chr2-178548516-C-T. GRCh37 (hg19) VCF-style: chr2-179413243-C-T.
Other names: c.88187G>A, p.Trp29396Ter (NM_001256850.1); c.65915G>A, p.Trp21972Ter (NM_003319.4); c.85406G>A, p.Trp28469Ter (NM_133378.4); c.66290G>A, p.Trp22097Ter (NM_133432.3); c.66491G>A, p.Trp22164Ter (NM_133437.4); short protein forms W21972*, W22097*, W22164*, W28469*, W29396*, W31037*.
Identifiers: ClinVar variation 3759632 (VCV003759632.2).